The following is an entry in ClinVar:

ClinVar aggregate classification (germline): Pathogenic/Likely pathogenic. Review status: criteria provided, multiple submitters, no conflicts (2 of 4 stars). 8 submissions from 8 submitters: Pathogenic (4); Likely pathogenic (4). Last evaluated 2026-04-14.

Conditions:
Progressive familial intrahepatic cholestasis type 2. Identifiers: Orphanet 79304, MedGen C3489789, MONDO:0011156, OMIM 601847.
ABCB11-related disorder. Also called: ABCB11-related condition.
Familial intrahepatic cholestasis. Identifiers: Orphanet 284385, MedGen CN296401, MONDO:0017290.
Benign recurrent intrahepatic cholestasis type 2 (BRIC2). Also called: Recurrent familial intrahepatic cholestasis 2. Identifiers: Orphanet 65682, Orphanet 99961, MedGen C2608083, MONDO:0011559, OMIM 605479.
Progressive familial intrahepatic cholestasis (PFIC). Also called: Progressive intrahepatic cholestasis; Progressive family intrahepatic cholestasis. Identifiers: Orphanet 172, MedGen C0268312, MONDO:0015762.

Allele frequency attached by ClinVar (database versions not stated): gnomAD 0.00001; gnomAD exomes 0.00001 and 0.00007; TOPMed 0.00003; ExAC 0.00006.
gnomAD v4.1: 21 of 1,612,842 alleles (0.0013%); highest among the groups gnomAD compares: East Asian, 0.042%; no homozygotes.

Submissions (8):

Genomenon, Inc
Classification: Likely pathogenic for Familial intrahepatic cholestasis. Last evaluated: 2026-04-14. Review status: criteria provided, single submitter. Criteria: Genomenon Sequence Variant Interpretation Standards - Updated. Collection method: curation. Allele origin: germline. Affected: yes.
Comment: ABCB11 p.Ile498Thr (c.1493T>C) is a missense variant that changes the amino acid at residue 498 from Isoleucine to Threonine. This variant has been observed in at least one proband with an ABCB11-related disorder (PMID:32808743;30210030;28027573;16290310;26382629). It has been observed in trans with a pathogenic or likely pathogenic variant (PMID:16290310). Functional studies have been reported (PMID:19101985). It is absent or not present at a significant frequency in gnomAD. In silico models predict that this variant is possibly or probably damaging. In conclusion, we classify ABCB11 p.Ile498Thr (c.1493T>C) as a likely pathogenic variant.

Labcorp Genetics (formerly Invitae), Labcorp
Classification: Likely pathogenic. Last evaluated: 2025-01-23. Review status: criteria provided, single submitter. Criteria: Invitae Variant Classification Sherloc (09022015). Collection method: clinical testing. Allele origin: germline.
Comment: This sequence change replaces isoleucine, which is neutral and non-polar, with threonine, which is neutral and polar, at codon 498 of the ABCB11 protein (p.Ile498Thr). This variant is present in population databases (rs752043324, gnomAD 0.1%). This missense change has been observed in individual(s) with cholestasis (PMID: 16290310, 26382629, 28027573, 30210030, 32808743). In at least one individual the data is consistent with being in trans (on the opposite chromosome) from a pathogenic variant. ClinVar contains an entry for this variant (Variation ID: 951369). Invitae Evidence Modeling of protein sequence and biophysical properties (such as structural, functional, and spatial information, amino acid conservation, physicochemical variation, residue mobility, and thermodynamic stability) has been performed for this missense variant. However, the output from this modeling did not meet the statistical confidence thresholds required to predict the impact of this variant on ABCB11 protein function. In summary, the currently available evidence indicates that the variant is pathogenic, but additional data are needed to prove that conclusively. Therefore, this variant has been classified as Likely Pathogenic.

Natera, Inc.
Classification: Likely pathogenic for Progressive familial intrahepatic cholestasis type 2. Last evaluated: 2024-10-16. Review status: criteria provided, single submitter. Criteria: Natera Variant Classification Schema (03/2026). Collection method: clinical testing. Allele origin: germline.
Comment: The c.1493T>C variant in ABCB11 is a missense variant predicted to cause substitution of isoleucine to threonine at amino acid 498. This variant is rare in the general population with a frequency below the threshold expected for the associated phenotype(s). This variant has been observed in one or more individuals affected with the associated recessive disease, as either homozygous or compound heterozygous with a second variant (PMID: 26382629, 29412511, 16290310). Computational prediction algorithms indicate this variant is likely to affect gene or protein function. Given the available evidence, this variant is classified as Likely Pathogenic.

Fulgent Genetics
Classification: Pathogenic for Progressive familial intrahepatic cholestasis type 2; Benign recurrent intrahepatic cholestasis type 2. Last evaluated: 2024-06-06. Review status: criteria provided, single submitter. Criteria: ACMG Guidelines, 2015. Collection method: clinical testing. Allele origin: germline.

Baylor Genetics
Classification: Pathogenic for Benign recurrent intrahepatic cholestasis type 2. Last evaluated: 2024-02-26. Review status: criteria provided, single submitter. Criteria: ACMG Guidelines, 2015. Collection method: clinical testing. Allele origin: unknown.

PreventionGenetics, part of Exact Sciences
Classification: Likely pathogenic for ABCB11-related condition. Last evaluated: 2023-03-17. Review status: criteria provided, single submitter. Criteria: ACMG Guidelines, 2015. Collection method: clinical testing. Allele origin: germline.
Comment: The ABCB11 c.1493T>C variant is predicted to result in the amino acid substitution p.Ile498Thr. This variant has been seen as homozygous or compound heterozygous state in multiple patients with transient neonatal cholestasis and progressive familial intrahepatic cholestasis 2 (Li L et al 2015. PubMed ID: 26382629; Qiu YL et al 2017. PubMed ID: 28027573; Liu T et al 2018. PubMed ID: 29412511). In at least two patients, the variant was confirmed to be in trans from a pathogenic allele (Table 1; Li et al. 2020. PubMed ID: 32808743, Lam et al. 2006. PubMed ID: 16290310). This variant is reported in 0.098% of alleles in individuals of East Asian descent in gnomAD. This variant is interpreted as likely pathogenic.

Women's Health and Genetics/Laboratory Corporation of America, LabCorp
Classification: Pathogenic for Progressive familial intrahepatic cholestasis. Last evaluated: 2022-09-16. Review status: criteria provided, single submitter. Criteria: LabCorp Variant Classification Summary - May 2015. Collection method: clinical testing. Allele origin: germline.
Comment: Variant summary: ABCB11 c.1493T>C (p.Ile498Thr) results in a non-conservative amino acid change located in the ABC transporter-like, ATP-binding domain (IPR003439) of the encoded protein sequence. Five of five in-silico tools predict a damaging effect of the variant on protein function. The variant allele was found at a frequency of 7.3e-05 in 248250 control chromosomes, predominantly at a frequency of 0.001 within the East Asian subpopulation in the gnomAD database. This frequency is not significantly higher than estimated for a pathogenic variant in ABCB11 causing Familial Intrahepatic Cholestasis (7.3e-05 vs 0.0022), allowing no conclusion about variant significance. c.1493T>C has been reported in the literature in multiple individuals affected with features of Familial Intrahepatic Cholestasis (example, Lam_2006, Li_2015, Qiu_2017, Liu_2018, Ting_2020). These data indicate that the variant is very likely to be associated with disease. To our knowledge, no experimental evidence demonstrating an impact on protein function has been reported. Two clinical diagnostic laboratories have submitted clinical-significance assessments for this variant to ClinVar after 2014 without evidence for independent evaluation. All laboratories classified the variant as likely pathogenic. Based on the evidence outlined above, the variant was classified as pathogenic.

Juno Genomics, Hangzhou Juno Genomics, Inc
Classification: Pathogenic for Benign recurrent intrahepatic cholestasis type 2; Progressive familial intrahepatic cholestasis type 2. Review status: criteria provided, single submitter. Criteria: ACMG Guidelines, 2015. Collection method: clinical testing. Allele origin: germline.
Comment: Absent from controls (or at extremely low frequency if recessive) in Genome Aggregation Database.;Multiple lines of computational evidence support a deleterious effect on the gene or gene product.;For recessive disorders, detected in trans with a pathogenic variant.

Literature cited by the submitters: PubMed 32808743 (cited by 3 submitters); PubMed 30210030 (cited by Genomenon, Inc and Labcorp Genetics (formerly Invitae), Labcorp); PubMed 28027573 (cited by 3 submitters); PubMed 16290310 (cited by 4 submitters); PubMed 26382629 (cited by 4 submitters); PubMed 19101985 (cited by Genomenon, Inc and Women's Health and Genetics/Laboratory Corporation of America, LabCorp); PubMed 29412511 (cited by Natera, Inc. and Women's Health and Genetics/Laboratory Corporation of America, LabCorp).

NM_003742.4(ABCB11):c.1493T>C (p.Ile498Thr)

Gene: ABCB11 (ATP binding cassette subfamily B member 11; minus strand). Cytogenetic location: 2q31.1.
Variant type: single nucleotide variant.
Coding change: c.1493T>C on transcript NM_003742.4 (MANE Select); coding-DNA position 1493, T replaced by C.
Protein change: p.Ile498Thr; replaces isoleucine 498 with threonine.
Molecular consequence: missense variant.
Genome position (GRCh38, 1-based): chr2:168,971,992, A>G on the plus strand (T>C on the coding strand, the complement: ABCB11 is on the minus strand). VCF-style: chr2-168971992-A-G. GRCh37 (hg19) VCF-style: chr2-169828502-A-G.
Other names: short protein forms I498T.
Identifiers: ClinVar variation 951369 (VCV000951369.17), dbSNP rs752043324, ClinGen allele CA1951553.
Genomic context (GRCh38, chr2:168,971,992, plus strand): 5'-TAGCGAATATTTTCTGCAATGGTGGTAGAGAACAGAACTGGCTCTTGCTCCACTATCCCA[A>G]TCTGATCTCTAAGCCACTGAATGTTAAGAGAGCGAATGTCATGGCCATCCACGGTCACCT-3'
Protein context (NP_003733.2, residues 488-508): SLNIQWLRDQ[Ile498Thr]GIVEQEPVLF